The following is an entry in ClinVar:

ClinVar aggregate classification (germline): Uncertain significance (1 of 4 stars; one submission).

Allele frequency attached by ClinVar (database versions not stated): gnomAD exomes below 0.00001; TOPMed below 0.00001; ExAC 0.00001; gnomAD 0.00001.
gnomAD v4.1: 5 of 1,614,042 alleles (0.00031%); highest among the groups gnomAD compares: Non-Finnish European, 0.00017%; no homozygotes.

Submission:

Labcorp Genetics (formerly Invitae), Labcorp
Classification: Uncertain significance. Last evaluated: 2022-03-12. Review status: criteria provided, single submitter. Criteria: Invitae Variant Classification Sherloc (09022015). Collection method: clinical testing. Allele origin: germline.
Comment: This sequence change replaces glycine, which is neutral and non-polar, with serine, which is neutral and polar, at codon 331 of the ABCA4 protein (p.Gly331Ser). This variant is present in population databases (rs755202002, gnomAD 0.003%). This variant has not been reported in the literature in individuals affected with ABCA4-related conditions. Algorithms developed to predict the effect of missense changes on protein structure and function (SIFT, PolyPhen-2, Align-GVGD) all suggest that this variant is likely to be disruptive. In summary, the available evidence is currently insufficient to determine the role of this variant in disease. Therefore, it has been classified as a Variant of Uncertain Significance.

NM_000350.3(ABCA4):c.991G>A (p.Gly331Ser)

Gene: ABCA4 (ATP binding cassette subfamily A member 4; minus strand). Cytogenetic location: 1p22.1.
Variant type: single nucleotide variant.
Coding change: c.991G>A on transcript NM_000350.3 (MANE Select); coding-DNA position 991, G replaced by A.
Protein change: p.Gly331Ser; replaces glycine 331 with serine.
Molecular consequence: missense variant.
Genome position (GRCh38, 1-based): chr1:94,080,586, C>T on the plus strand (G>A on the coding strand, the complement: ABCA4 is on the minus strand). VCF-style: chr1-94080586-C-T. GRCh37 (hg19) VCF-style: chr1-94546142-C-T.
Other names: c.991G>A, p.Gly331Ser (NM_001425324.1); short protein forms G331S.
Identifiers: ClinVar variation 2110258 (VCV002110258.1), dbSNP rs755202002, ClinGen allele CA958664.